The following is an entry in ClinVar:

NM_033305.3(VPS13A):c.6770del (p.Asn2257fs)

Gene: VPS13A (vacuolar protein sorting 13 homolog A; plus strand). Cytogenetic location: 9q21.2.
Variant type: Deletion.
Coding change: c.6770del on transcript NM_033305.3 (MANE Select); coding-DNA position 6770, one base deleted (A; older notation c.6770delA).
Protein change: p.Asn2257fs; shifts the reading frame from asparagine 2257.
Molecular consequence: frameshift variant.
Genome position (GRCh38, 1-based): chr9:77,339,907, A deleted; the last of 2 consecutive A bases (chr9:77,339,906-77,339,907); deleting either gives the same sequence. VCF-style (leftmost placement, unchanged base first): chr9-77339905-CA-C. GRCh37 (hg19) VCF-style: chr9-79954821-CA-C.
Other names: c.6653del, p.Asn2218fs (NM_001018037.2); c.6770del, p.Asn2257fs (NM_001018038.3, NM_015186.4); short protein forms N2218fs, N2257fs.
Identifiers: ClinVar variation 5014417 (VCV005014417.1).

ClinVar aggregate classification (germline): Pathogenic (1 of 4 stars; one submission).

Conditions:
VPS13A-related neurodegenerative disease. Also called: ACANTHOCYTOSIS WITH NEUROLOGIC DISORDER; LEVINE-CRITCHLEY SYNDROME; Choreoacanthocytosis; Chorea-acanthocytosis; Choreaacanthocytosis; VPS13A Disease. Identifiers: Orphanet 2388, MedGen C0393576, MONDO:0008695, OMIM 200150.

Submission:

Myriad Genetics, Inc.
Classification: Pathogenic for VPS13A-related neurodegenerative disease. Last evaluated: 2025-05-10. Review status: criteria provided, single submitter. Criteria: Myriad Autosomal Dominant, Autosomal Recessive and X-Linked Classification Criteria (2023). Collection method: clinical testing. Allele origin: unknown.
Comment: NM_033305.2(VPS13A):c.6770delA(N2257Ifs*7) is expected to be pathogenic in the context of VPS13A disease. This variant is predicted to lead to an abnormal or absent protein product due to the creation of a premature termination codon in VPS13A, a gene where loss-of-function variants are known to be pathogenic. Please note: this variant was assessed in the context of healthy population screening.